The following is an entry in ClinVar:

ClinVar aggregate classification (germline): Uncertain significance (1 of 4 stars; one submission).

Submission:

Labcorp Genetics (formerly Invitae), Labcorp
Classification: Uncertain significance. Last evaluated: 2022-08-22. Review status: criteria provided, single submitter. Criteria: Invitae Variant Classification Sherloc (09022015). Collection method: clinical testing. Allele origin: germline.
Comment: Algorithms developed to predict the effect of missense changes on protein structure and function are either unavailable or do not agree on the potential impact of this missense change (SIFT: "Deleterious"; PolyPhen-2: "Probably Damaging"; Align-GVGD: "Class C0"). In summary, the available evidence is currently insufficient to determine the role of this variant in disease. Therefore, it has been classified as a Variant of Uncertain Significance. ClinVar contains an entry for this variant (Variation ID: 1446468). This variant has not been reported in the literature in individuals affected with FKBP10-related conditions. This variant is not present in population databases (gnomAD no frequency). This sequence change replaces leucine, which is neutral and non-polar, with proline, which is neutral and non-polar, at codon 257 of the FKBP10 protein (p.Leu257Pro).

NM_021939.4(FKBP10):c.770T>C (p.Leu257Pro)

Gene: FKBP10 (FKBP prolyl isomerase 10; plus strand). Cytogenetic location: 17q21.2.
Variant type: single nucleotide variant.
Coding change: c.770T>C on transcript NM_021939.4 (MANE Select); coding-DNA position 770, T replaced by C.
Protein change: p.Leu257Pro; replaces leucine 257 with proline.
Molecular consequence: missense variant.
Genome position (GRCh38, 1-based): chr17:41,819,252, T>C. VCF-style: chr17-41819252-T-C. GRCh37 (hg19) VCF-style: chr17-39975504-T-C.
Other names: short protein forms L257P.
Identifiers: ClinVar variation 1446468 (VCV001446468.6), dbSNP rs2144059358, ClinGen allele CA399516200.